The following is an entry in ClinVar:

NM_001260.3(CDK8):c.599G>A (p.Arg200Gln)

Gene: CDK8 (cyclin dependent kinase 8; plus strand). Cytogenetic location: 13q12.13.
Variant type: single nucleotide variant.
Coding change: c.599G>A on transcript NM_001260.3 (MANE Select); coding-DNA position 599, G replaced by A.
Protein change: p.Arg200Gln; replaces arginine 200 with glutamine.
Molecular consequence: missense variant.
Genome position (GRCh38, 1-based): chr13:26,385,295, G>A. VCF-style: chr13-26385295-G-A. GRCh37 (hg19) VCF-style: chr13-26959432-G-A.
Other names: c.599G>A, p.Arg200Gln (NM_001318368.2); c.80G>A, p.Arg27Gln (NM_001346501.2); short protein forms R27Q, R200Q.
Identifiers: ClinVar variation 871514 (VCV000871514.49), dbSNP rs1875422697, ClinGen allele CA387685463.

ClinVar aggregate classification (germline): Conflicting classifications of pathogenicity. Review status: criteria provided, conflicting classifications (1 of 4 stars). 7 submissions from 7 submitters: Likely pathogenic (4); Uncertain significance (3). Last evaluated 2025-08-27.

Conditions:
Cerebral cortex disorder. Also called: Cerebral cortex disease. Identifiers: MedGen C1263847, MONDO:0044996.
CDK8-related disorders.
Intellectual developmental disorder with hypotonia and behavioral abnormalities. Identifiers: MedGen C5231489, MONDO:0032897, OMIM 618748.

Submissions (7):

Clinical Genetics Laboratory, Skane University Hospital Lund
Classification: Likely pathogenic for Intellectual developmental disorder with hypotonia and behavioral abnormalities. Last evaluated: 2025-08-27. Review status: criteria provided, single submitter. Criteria: ACMG Guidelines, 2015. Collection method: clinical testing. Allele origin: de novo. Affected: yes.
Comment: PS2, PS4_Moderate, PM2, PP3

Labcorp Genetics (formerly Invitae), Labcorp
Classification: Uncertain significance. Last evaluated: 2024-10-25. Review status: criteria provided, single submitter. Criteria: Invitae Variant Classification Sherloc (09022015). Collection method: clinical testing. Allele origin: germline.
Comment: This sequence change replaces arginine, which is basic and polar, with glutamine, which is neutral and polar, at codon 200 of the CDK8 protein (p.Arg200Gln). This variant is not present in population databases (gnomAD no frequency). This missense change has been observed in individual(s) with CDK8-related intellectual developmental disorder with hypotonia and behavioral abnormalities (PMID: 38193604). ClinVar contains an entry for this variant (Variation ID: 871514). An algorithm developed to predict the effect of missense changes on protein structure and function (PolyPhen-2) suggests that this variant is likely to be disruptive. In summary, the available evidence is currently insufficient to determine the role of this variant in disease. Therefore, it has been classified as a Variant of Uncertain Significance.

Blueprint Genetics
Classification: Likely pathogenic for CDK8-related disorders. Last evaluated: 2022-05-27. Review status: criteria provided, single submitter. Criteria: ACMG Guidelines, 2015. Collection method: clinical testing. Allele origin: de novo. Affected: yes. Observed: 2 variant alleles.

Institute of Human Genetics, University of Leipzig Medical Center
Classification: Likely pathogenic for Intellectual developmental disorder with hypotonia and behavioral abnormalities. Last evaluated: 2022-02-09. Review status: criteria provided, single submitter. Criteria: ACMG Guidelines, 2015. Collection method: clinical testing. Allele origin: de novo. Affected: yes.
Comment: This variant was identified as de novo (maternity and paternity confirmed)._x000D_ Criteria applied: PS2_MOD, PM1, PM2_SUP, PP3

AURAGEN, Plan France Médecine Génomique
Classification: Likely pathogenic for Cerebral cortex disorder. Last evaluated: 2021-11-30. Review status: criteria provided, single submitter. Criteria: PFMG2025 (Lancet Reg Health Eur. 2025). Collection method: clinical testing. Allele origin: germline. Affected: yes.

GeneDx
Classification: Uncertain significance. Last evaluated: 2020-03-07. Review status: criteria provided, single submitter. Criteria: GeneDx Variant Classification Process June 2021. Collection method: clinical testing. Allele origin: germline. Affected: yes.
Comment: Not observed in large population cohorts (Lek et al., 2016); In silico analysis supports that this missense variant has a deleterious effect on protein structure/function; Has not been previously published as pathogenic or benign to our knowledge

CeGaT Center for Human Genetics Tuebingen
Classification: Uncertain significance. Last evaluated: 2019-09-01. Review status: criteria provided, single submitter. Criteria: CeGaT Center For Human Genetics Tuebingen Variant Classification Criteria Version 2. Collection method: clinical testing. Allele origin: germline. Affected: yes. Observed: 3 variant alleles.

Literature cited by the submitters: PubMed 38193604 (cited by Labcorp Genetics (formerly Invitae), Labcorp).